The following is an entry in ClinVar:

ClinVar aggregate classification (germline): Likely benign. Review status: criteria provided, multiple submitters, no conflicts (2 of 4 stars). 4 submissions from 4 submitters: Likely benign (4). Last evaluated 2026-04-01.

Allele frequency attached by ClinVar (database versions not stated): gnomAD 0.00013 and 0.00014; ESP Exome Variant Server 0.00015; 1000 Genomes Project 30x 0.00016; 1000 Genomes Project 0.00020.
gnomAD v4.1: 328 of 1,607,654 alleles (0.02%); highest among the groups gnomAD compares: Non-Finnish European, 0.024%; no homozygotes.

Submissions (4):

CeGaT Center for Human Genetics Tuebingen
Classification: Likely benign. Last evaluated: 2026-04-01. Review status: criteria provided, single submitter. Criteria: CeGaT Center For Human Genetics Tuebingen Variant Classification Criteria Version 2. Collection method: clinical testing. Allele origin: germline. Affected: yes. Observed: 8 variant alleles.
Comment: TUBGCP6: BP4, BP7

Labcorp Genetics (formerly Invitae), Labcorp
Classification: Likely benign. Last evaluated: 2026-02-01. Review status: criteria provided, single submitter. Criteria: Invitae Variant Classification Sherloc (09022015). Collection method: clinical testing. Allele origin: germline.

Laboratory of Genetics, Children's Clinical University Hospital Latvia
Classification: Likely benign. Last evaluated: 2025-02-16. Review status: criteria provided, single submitter. Criteria: ACMG Guidelines, 2015. Collection method: clinical testing. Allele origin: germline. Affected: yes.

Blueprint Genetics
Classification: Likely benign. Last evaluated: 2024-11-22. Review status: criteria provided, single submitter. Criteria: ACMG Guidelines, 2015. Collection method: clinical testing. Allele origin: germline.

NM_020461.4(TUBGCP6):c.3165C>T (p.His1055=)

Gene: TUBGCP6 (tubulin gamma complex component 6; minus strand). Cytogenetic location: 22q13.33.
Variant type: single nucleotide variant.
Coding change: c.3165C>T on transcript NM_020461.4 (MANE Select); coding-DNA position 3165, C replaced by T.
Protein change: p.His1055=; no amino-acid change (histidine 1055 retained).
Molecular consequence: synonymous variant.
Genome position (GRCh38, 1-based): chr22:50,221,194, G>A on the plus strand (C>T on the coding strand, the complement: TUBGCP6 is on the minus strand). VCF-style: chr22-50221194-G-A. GRCh37 (hg19) VCF-style: chr22-50659623-G-A.
Identifiers: ClinVar variation 1153210 (VCV001153210.34), dbSNP rs147329335, ClinGen allele CA10308033.